The following is an entry in ClinVar:

ClinVar aggregate classification (germline): Uncertain significance (1 of 4 stars; one submission).

Conditions:
Malignant hyperthermia, susceptibility to, 1 (MHS1). Also called: RYR1-Related Malignant Hyperthermia Susceptibility; Malignant hyperthermia suceptibility 1; Anesthesia related hyperthermia; Malignant hyperpyrexia; Fulminating hyperpyrexia; Pharmacogenic myopathy. Identifiers: Orphanet 423, MedGen C2930980, MONDO:0007783, OMIM 145600.

Submission:

Color Diagnostics, LLC DBA Color Health
Classification: Uncertain significance for Malignant hyperthermia, susceptibility to, 1. Last evaluated: 2025-05-25. Review status: criteria provided, single submitter. Criteria: ACMG Guidelines, 2015. Collection method: clinical testing. Allele origin: germline.
Comment: This missense variant replaces tyrosine with histidine at codon 2553 of the RYR1 protein. Computational prediction suggests that this variant may have deleterious impact on protein structure and function. To our knowledge, functional studies have not been reported for this variant. This variant has not been reported in individuals affected with RYR1-related disorders in the literature. This variant has not been identified in the general population by the Genome Aggregation Database (gnomAD). The available evidence is insufficient to determine the role of this variant in disease conclusively. Therefore, this variant is classified as a Variant of Uncertain Significance.

NM_000540.3(RYR1):c.7657T>C (p.Tyr2553His)

Gene: RYR1 (ryanodine receptor 1; plus strand). Cytogenetic location: 19q13.2.
Variant type: single nucleotide variant.
Coding change: c.7657T>C on transcript NM_000540.3 (MANE Select); coding-DNA position 7657, T replaced by C.
Protein change: p.Tyr2553His; replaces tyrosine 2553 with histidine.
Molecular consequence: missense variant.
Genome position (GRCh38, 1-based): chr19:38,502,549, T>C. VCF-style: chr19-38502549-T-C. GRCh37 (hg19) VCF-style: chr19-38993189-T-C.
Other names: c.7657T>C, p.Tyr2553His (NM_001042723.2); short protein forms Y2553H.
Identifiers: ClinVar variation 4758756 (VCV004758756.1).